The following is an entry in ClinVar:

NC_000006.11:g.(?_110012639)_(110064995_?)del

Gene: FIG4 (FIG4 phosphoinositide 5-phosphatase; plus strand). Cytogenetic location: 6q21.
Variant type: Deletion.
Identifiers: ClinVar variation 1459809 (VCV001459809.5).

ClinVar aggregate classification (germline): Pathogenic (1 of 4 stars; one submission).

Conditions:
Charcot-Marie-Tooth disease type 4. Also called: Charcot-Marie-Tooth disease, type IV; Charcot-Marie-Tooth, Type 4. Identifiers: Orphanet 64749, MedGen C4082197, MONDO:0018995.

Submission:

Labcorp Genetics (formerly Invitae), Labcorp
Classification: Pathogenic for Charcot-Marie-Tooth disease type 4. Last evaluated: 2023-04-06. Review status: criteria provided, single submitter. Criteria: Invitae Variant Classification Sherloc (09022015). Collection method: clinical testing. Allele origin: germline.
Comment: For these reasons, this variant has been classified as Pathogenic. This variant has not been reported in the literature in individuals affected with FIG4-related conditions. This variant is a gross deletion of the genomic region encompassing exon(s) 1-10 of the FIG4 gene, which includes the initiator codon. This deletion extends beyond the assayed region for this gene and therefore may encompass additional genes. It is expected to result in an absent or disrupted protein product. Loss-of-function variants in FIG4 are known to be pathogenic (PMID: 23623387, 30740813).

Literature cited by the submitters: PubMed 23623387; PubMed 30740813.